The following is an entry in ClinVar:

ClinVar aggregate classification (germline): Uncertain significance (1 of 4 stars; one submission).

Submission:

CeGaT Center for Human Genetics Tuebingen
Classification: Uncertain significance. Last evaluated: 2026-04-01. Review status: criteria provided, single submitter. Criteria: CeGaT Center For Human Genetics Tuebingen Variant Classification Criteria Version 2. Collection method: clinical testing. Allele origin: germline. Affected: yes. Observed: 1 variant allele.
Comment: POLG: PM2, PP3

NM_002693.3(POLG):c.1286A>G (p.Glu429Gly)

Gene: POLG (DNA polymerase gamma, catalytic subunit; minus strand). Cytogenetic location: 15q26.1.
Variant type: single nucleotide variant.
Coding change: c.1286A>G on transcript NM_002693.3 (MANE Select); coding-DNA position 1286, A replaced by G.
Protein change: p.Glu429Gly; replaces glutamic acid 429 with glycine.
Molecular consequence: missense variant.
Genome position (GRCh38, 1-based): chr15:89,327,314, T>C on the plus strand (A>G on the coding strand, the complement: POLG is on the minus strand). VCF-style: chr15-89327314-T-C. GRCh37 (hg19) VCF-style: chr15-89870545-T-C.
Other names: c.1286A>G, p.Glu429Gly (NM_001126131.2); short protein forms E429G.
Identifiers: ClinVar variation 4874701 (VCV004874701.2).